The following is an entry in ClinVar:

ClinVar aggregate classification (germline): Likely pathogenic (1 of 4 stars; one submission).

Submission:

GeneDx
Classification: Likely pathogenic. Last evaluated: 2018-06-25. Review status: criteria provided, single submitter. Criteria: GeneDx Variant Classification (06012015). Collection method: clinical testing. Allele origin: germline. Affected: yes.
Comment: The c.17235dupA variant in the NEB gene has not been reported previously as a pathogenic variant nor as a benign variant, to our knowledge. The c.17235dupA variant causes a frameshift starting with codon Glutamic acid 5746, changes this amino acid to an Arginine residue, and creates a premature Stop codon at position 26 of the new reading frame, denoted p.Glu5746ArgfsX26. This variant is predicted to cause loss of normal protein function either through protein truncation or nonsense-mediated mRNA decay. The c.17235dupA variant is not observed in large population cohorts (Lek et al., 2016). We interpret c.17235dupA as a likely pathogenic variant.

NM_001164508.2(NEB):c.17235dup (p.Glu5746fs)

Gene: NEB (nebulin; minus strand). Cytogenetic location: 2q23.3.
Variant type: Duplication.
Coding change: c.17235dup on transcript NM_001164508.2 (MANE Select); coding-DNA position 17235, one base duplicated (A; older notation c.17235dupA).
Protein change: p.Glu5746fs; shifts the reading frame from glutamic acid 5746.
Molecular consequence: frameshift variant.
Genome position (GRCh38, 1-based): chr2:151,570,276, T duplicated on the plus strand (A on the coding strand, the reverse complement: NEB is on the minus strand). VCF-style (leftmost placement, unchanged base first): chr2-151570275-C-CT. GRCh37 (hg19) VCF-style: chr2-152426789-C-CT.
Other names: c.17235dup, p.Glu5746fs (NM_001164507.2, NM_001271208.2); c.12132dup, p.Glu4045fs (NM_004543.5); short protein forms E4045fs, E5746fs.
Identifiers: ClinVar variation 817135 (VCV000817135.1), dbSNP rs1578009926, ClinGen allele CA915942943.